The following is an entry in ClinVar:

NM_001346249.2(RALGAPA1):c.1556A>G (p.Asn519Ser)

Gene: RALGAPA1 (Ral GTPase activating protein catalytic subunit alpha 1; minus strand). Cytogenetic location: 14q13.2.
Variant type: single nucleotide variant.
Coding change: c.1556A>G on transcript NM_001346249.2 (MANE Select); coding-DNA position 1556, A replaced by G.
Protein change: p.Asn519Ser; replaces asparagine 519 with serine.
Molecular consequence: missense variant.
Genome position (GRCh38, 1-based): chr14:35,738,544, T>C on the plus strand (A>G on the coding strand, the complement: RALGAPA1 is on the minus strand). VCF-style: chr14-35738544-T-C. GRCh37 (hg19) VCF-style: chr14-36207750-T-C.
Other names: c.1556A>G, p.Asn519Ser (NM_001283043.3, NM_001283044.3, NM_001330075.3 and 7 more transcripts); short protein forms N519S.
Identifiers: ClinVar variation 2430764 (VCV002430764.1), dbSNP rs2550605316, ClinGen allele CA389500483.

ClinVar aggregate classification (germline): Uncertain significance (1 of 4 stars; one submission).

Submission:

GeneDx
Classification: Uncertain significance. Last evaluated: 2022-08-17. Review status: criteria provided, single submitter. Criteria: GeneDx Variant Classification Process June 2021. Collection method: clinical testing. Allele origin: germline. Affected: yes.
Comment: Not observed at significant frequency in large population cohorts (gnomAD); In silico analysis supports that this missense variant does not alter protein structure/function; Has not been previously published as pathogenic or benign to our knowledge